The following is an entry in ClinVar:

ClinVar aggregate classification (germline): Uncertain significance. Review status: criteria provided, multiple submitters, no conflicts (2 of 4 stars). 2 submissions from 2 submitters: Uncertain significance (2). Last evaluated 2022-04-09.

Allele frequency attached by ClinVar (database versions not stated): ExAC 0.00002; gnomAD exomes 0.00002 and 0.00005; gnomAD 0.00003 and 0.00004; TOPMed 0.00004.
gnomAD v4.1: 90 of 1,612,918 alleles (0.0056%); highest among the groups gnomAD compares: Non-Finnish European, 0.0062%; no homozygotes.

Submissions (2):

Labcorp Genetics (formerly Invitae), Labcorp
Classification: Uncertain significance. Last evaluated: 2022-04-09. Review status: criteria provided, single submitter. Criteria: Invitae Variant Classification Sherloc (09022015). Collection method: clinical testing. Allele origin: germline.
Comment: This variant is present in population databases (rs748110915, gnomAD 0.005%). This sequence change replaces threonine, which is neutral and polar, with methionine, which is neutral and non-polar, at codon 105 of the CLDN14 protein (p.Thr105Met). This variant has not been reported in the literature in individuals affected with CLDN14-related conditions. In summary, the available evidence is currently insufficient to determine the role of this variant in disease. Therefore, it has been classified as a Variant of Uncertain Significance. Algorithms developed to predict the effect of missense changes on protein structure and function (SIFT, PolyPhen-2, Align-GVGD) all suggest that this variant is likely to be disruptive. ClinVar contains an entry for this variant (Variation ID: 452089).

GeneDx
Classification: Uncertain significance. Last evaluated: 2017-09-25. Review status: criteria provided, single submitter. Criteria: GeneDx Variant Classification (06012015). Collection method: clinical testing. Allele origin: germline. Affected: yes.
Comment: The T105M variant in the CLDN14 gene has not been reported previously as a pathogenic variant, nor as a benign variant, to our knowledge. The T105M variant is not observed at a significant frequency in large population cohorts (Lek et al., 2016). The T105M variant is a non-conservative amino acid substitution, which is likely to impact secondary protein structure as these residues differ in polarity, charge, size and/or other properties. This substitution occurs at a position that is conserved across species. In silico analysis predicts this variant is probably damaging to the protein structure/function. We interpret T105M as a variant of uncertain significance.

NM_001146079.2(CLDN14):c.314C>T (p.Thr105Met)

Genes: CLDN14 (claudin 14; minus strand), CLDN14-AS1 (CLDN14 antisense RNA 1; plus strand). Cytogenetic location: 21q22.13.
Variant type: single nucleotide variant.
Coding change: c.314C>T on transcript NM_001146079.2 (MANE Select); coding-DNA position 314, C replaced by T.
Protein change: p.Thr105Met; replaces threonine 105 with methionine.
Molecular consequence: missense variant.
Genome position (GRCh38, 1-based): chr21:36,461,382, G>A on the plus strand (C>T on the coding strand, the complement: CLDN14 is on the minus strand). VCF-style: chr21-36461382-G-A. GRCh37 (hg19) VCF-style: chr21-37833680-G-A.
Other names: c.314C>T, p.Thr105Met (NM_001146077.2, NM_001146078.3, NM_012130.4 and 1 more transcripts); short protein forms T105M.
Identifiers: ClinVar variation 452089 (VCV000452089.12), dbSNP rs748110915, ClinGen allele CA10019293.